The following is an entry in ClinVar:

ClinVar aggregate classification (germline): Likely benign. Review status: criteria provided, multiple submitters, no conflicts (2 of 4 stars). 2 submissions from 2 submitters: Likely benign (2). Last evaluated 2025-04-18.

Conditions:
PURA-related severe neonatal hypotonia-seizures-encephalopathy syndrome (NEDRIHF). Also called: NEURODEVELOPMENTAL DISORDER WITH NEONATAL RESPIRATORY INSUFFICIENCY, HYPOTONIA, AND FEEDING DIFFICULTIES; PURA-Related Neurodevelopmental Disorders. Identifiers: Orphanet 438213, Orphanet 438216, MedGen C4015357, MONDO:1060108, OMIM 616158, MONDO:0018580.

Allele frequency attached by ClinVar (database versions not stated): TOPMed 0.00001.

Submissions (2):

Labcorp Genetics (formerly Invitae), Labcorp
Classification: Likely benign for PURA-related severe neonatal hypotonia-seizures-encephalopathy syndrome. Last evaluated: 2025-04-18. Review status: criteria provided, single submitter. Criteria: Invitae Variant Classification Sherloc (09022015). Collection method: clinical testing. Allele origin: germline.

CeGaT Center for Human Genetics Tuebingen
Classification: Likely benign. Last evaluated: 2022-07-01. Review status: criteria provided, single submitter. Criteria: CeGaT Center For Human Genetics Tuebingen Variant Classification Criteria Version 2. Collection method: clinical testing. Allele origin: germline. Affected: yes. Observed: 1 variant allele.
Comment: PURA: BP4, BP7

NM_005859.5(PURA):c.42G>A (p.Ala14=)

Gene: PURA (purine rich element binding protein A; plus strand). Cytogenetic location: 5q31.3.
Variant type: single nucleotide variant.
Coding change: c.42G>A on transcript NM_005859.5 (MANE Select); coding-DNA position 42, G replaced by A.
Protein change: p.Ala14=; no amino-acid change (alanine 14 retained).
Molecular consequence: synonymous variant.
Genome position (GRCh38, 1-based): chr5:140,114,223, G>A. VCF-style: chr5-140114223-G-A. GRCh37 (hg19) VCF-style: chr5-139493808-G-A.
Identifiers: ClinVar variation 542080 (VCV000542080.36), dbSNP rs1350220385, ClinGen allele CA446758228.